The following is an entry in ClinVar:

NM_181523.3(PIK3R1):c.2155T>A (p.Tyr719Asn)

Gene: PIK3R1 (phosphoinositide-3-kinase regulatory subunit 1; plus strand). Cytogenetic location: 5q13.1.
Variant type: single nucleotide variant.
Coding change: c.2155T>A on transcript NM_181523.3 (MANE Select); coding-DNA position 2155, T replaced by A.
Protein change: p.Tyr719Asn; replaces tyrosine 719 with asparagine.
Molecular consequence: missense variant.
Genome position (GRCh38, 1-based): chr5:68,297,581, T>A. VCF-style: chr5-68297581-T-A. GRCh37 (hg19) VCF-style: chr5-67593409-T-A.
Other names: c.1066T>A, p.Tyr356Asn (NM_001242466.2); c.1345T>A, p.Tyr449Asn (NM_181504.4); c.1255T>A, p.Tyr419Asn (NM_181524.2); short protein forms Y449N, Y719N, Y356N, Y419N.
Identifiers: ClinVar variation 1467672 (VCV001467672.8), dbSNP rs1747798069, ClinGen allele CA359885912.

ClinVar aggregate classification (germline): Uncertain significance (1 of 4 stars; one submission).

Conditions:
Immunodeficiency 36 with lymphoproliferation. Also called: ACTIVATED PI3K-DELTA SYNDROME 2; Immunodeficiency 36; Activated PI3K Delta Syndrome Type 2 (APDS2). Identifiers: Orphanet 397596, Orphanet 693681, MedGen C4014934, MONDO:0014453, OMIM 616005.
SHORT syndrome. Also called: LIPODYSTROPHY, PARTIAL, WITH RIEGER ANOMALY AND SHORT STATURE; PIK3R1-Related SHORT Syndrome; SHORT STATURE, HYPEREXTENSIBILITY, HERNIA, OCULAR DEPRESSION, RIEGER ANOMALY, AND TEETHING DELAY. Identifiers: Orphanet 3163, MedGen C0878684, MONDO:0010026, OMIM 269880.
Agammaglobulinemia 7, autosomal recessive (AGM7). Also called: AGAMMAGLOBULINEMIA, AUTOSOMAL RECESSIVE, DUE TO PIK3R1 DEFECT. Identifiers: MedGen C3554689, MONDO:0014083, OMIM 615214.

Allele frequency attached by ClinVar (database versions not stated): TOPMed below 0.00001.

Submission:

Labcorp Genetics (formerly Invitae), Labcorp
Classification: Uncertain significance for SHORT syndrome; Immunodeficiency 36 with lymphoproliferation; Agammaglobulinemia 7, autosomal recessive. Last evaluated: 2022-02-10. Review status: criteria provided, single submitter. Criteria: Invitae Variant Classification Sherloc (09022015). Collection method: clinical testing. Allele origin: germline.
Comment: In summary, the available evidence is currently insufficient to determine the role of this variant in disease. Therefore, it has been classified as a Variant of Uncertain Significance. Algorithms developed to predict the effect of missense changes on protein structure and function output the following: SIFT: "Deleterious"; PolyPhen-2: "Benign"; Align-GVGD: "Class C65". The asparagine amino acid residue is found in multiple mammalian species, which suggests that this missense change does not adversely affect protein function. This variant has not been reported in the literature in individuals affected with PIK3R1-related conditions. This variant is not present in population databases (gnomAD no frequency). This sequence change replaces tyrosine, which is neutral and polar, with asparagine, which is neutral and polar, at codon 719 of the PIK3R1 protein (p.Tyr719Asn).